The following is an entry in ClinVar:

ClinVar aggregate classification (germline): Conflicting classifications of pathogenicity; drug response. Review status: criteria provided, conflicting classifications (1 of 4 stars). 31 submissions from 27 submitters: Pathogenic (11); Likely pathogenic (6); Uncertain significance (4); Likely benign (4). 5 of the submissions do not count toward it. Last evaluated 2026-06-05.

Conditions:
UGT1A1-related disorder. Also called: UGT1A1-related disorders; UGT1A1-related condition.
Gilbert syndrome. Also called: HYPERBILIRUBINEMIA I; HYPERBILIRUBINEMIA, ARIAS TYPE; HYPERBILIRUBINEMIA, GILBERT TYPE; Gilbert's syndrome; Gilbert Disease. Identifiers: MedGen C0017551, MONDO:0007745, OMIM 143500.
Crigler-Najjar syndrome type 1. Also called: HYPERBILIRUBINEMIA, CRIGLER-NAJJAR TYPE I. Identifiers: Orphanet 79234, MedGen C0010324, MONDO:0021020, OMIM 218800.
Crigler-Najjar syndrome, type II. Also called: Crigler Najjar syndrome, type 2; Mutation in the UDP-glucuronosyl-transferase gene; HYPERBILIRUBINEMIA, CRIGLER-NAJJAR TYPE II. Identifiers: Orphanet 205, Orphanet 79235, MedGen C2931132, MONDO:0011725, OMIM 606785.
Lucey-Driscoll syndrome (HBLRTFN). Also called: Transient familial neonatal hyperbilirubinemia. Identifiers: Orphanet 2312, MedGen C0270210, MONDO:0009383, OMIM 237900.
BILIRUBIN, SERUM LEVEL OF, QUANTITATIVE TRAIT LOCUS 1 (BILIQTL1). Identifiers: MedGen C1866173, OMIM 601816.
Irinotecan response. Also called: Camptosar response. Identifiers: MedGen CN077989.

Allele frequency attached by ClinVar (database versions not stated): gnomAD 0.00891 and 0.01140; gnomAD exomes 0.00893 and 0.02235; 1000 Genomes Project 0.03435; ExAC 0.02066; 1000 Genomes Project 30x 0.03186; TOPMed 0.01002.
gnomAD v4.1: 14,886 of 1,614,236 alleles (0.92%); highest among the groups gnomAD compares: East Asian, 16%; 811 homozygotes.

Submissions 1 to 9 of 31:

PreventionGenetics, part of Exact Sciences
Classification: Likely benign for UGT1A1-related condition. Last evaluated: 2026-06-05. Review status: criteria provided, single submitter. Criteria: ACMG Guidelines, 2015. Collection method: clinical testing. Allele origin: germline.
Comment: This variant is classified as likely benign based on ACMG/AMP sequence variant interpretation guidelines (Richards et al. 2015 PMID: 25741868, with internal and published modifications).

Variantyx, Inc.
Classification: Pathogenic for Crigler-Najjar syndrome type 1. Last evaluated: 2026-01-13. Review status: criteria provided, single submitter. Criteria: Variantyx Assertion Criteria 2022. Collection method: clinical testing. Allele origin: germline. Inheritance: Autosomal recessive inheritance. Affected: yes.
Comment: This is a nonsynonymous variant in the UGT1A1 gene (OMIM: 191740). Pathogenic variants in this gene have been associated with autosomal recessive Crigler-Najjar syndrome, type I.. This variant, also known as the *6 allele, has been reported in the homozygous or compound heterozygous state in many unrelated affected individuals (PMID: 29137095) (PM3). Functional studies have shown that this variant alters UGT1A1 protein function (PMID: 9630669, 19830808) (PS3). This variant has a 16.4506% maximum allele frequency in non-founder control populations. Based on the current evidence, this variant is classified as pathogenic for autosomal recessive Crigler-Najjar syndrome, type I.

Center for Genomic Medicine, Rigshospitalet, Copenhagen University Hospital
Classification: Uncertain significance. Last evaluated: 2025-12-29. Review status: criteria provided, single submitter. Criteria: ACMG Guidelines, 2015. Collection method: clinical testing. Allele origin: germline.

Genesolutions, Medical Genetics Institutes, Ho Chi Minh City, Vietnam
Classification: Uncertain significance for Gilbert syndrome. Last evaluated: 2025-09-24. Review status: criteria provided, single submitter. Criteria: ACMG Guidelines, 2015. Collection method: clinical testing. Allele origin: germline. Affected: yes.

Genomic Medicine Center of Excellence, King Faisal Specialist Hospital and Research Centre
Classification: Likely pathogenic for Gilbert syndrome. Last evaluated: 2025-09-10. Review status: criteria provided, single submitter. Criteria: ACMG Guidelines, 2015. Collection method: clinical testing. Allele origin: germline.

ARUP Laboratories, Molecular Genetics and Genomics, ARUP Laboratories
Classification: Pathogenic. Last evaluated: 2025-06-27. Review status: criteria provided, single submitter. Criteria: ARUP Molecular Germline Variant Investigation Process 2024. Collection method: clinical testing. Allele origin: germline.
Comment: The UGT1A1 c.211G>A; p.Gly71Arg variant, also known as the *6 allele, is associated with an increased incidence of neonatal hyperbilirubinemia (Akaba 1999, Maruo 2000), and when homozygous, causes Gilbert syndrome (Takeuchi 2004). Functional analyses of the variant protein show decreased maximum enzyme activity (Udomuksorn 2007). This variant is found predominantly in the East Asian population with an overall frequency of 15.3% (3053/19950 alleles, including 250 homozygotes) in the Genome Aggregation Database. One study also suggests that neonates with the UGT1A1*6 allele experiencing a greater than 5% weight loss in the first 72 hours after birth have a higher incidence of hyperbilirubinemia (Sato 2013). Furthermore, when homozygous or in combination with other UGT1A1 promoter variants (e.g., greater than 6 TA repeats), this variant may predict an increased risk of irinotecan-related neutropenia (Barbarino 2014, Han 2014). There is currently insufficient evidence regarding the clinical impact of the *6 allele in patients treated with atazanavir (Gammal 2016, Park 2010). Based on available information, this variant is classified as a mildly pathogenic variant. References: Akaba K et al. Neonatal hyperbilirubinemia and a common mutation of the bilirubin uridine diphosphate-glucuronosyltransferase gene in Japanese. J Hum Genet. 1999;44(1):22-5. PMID: 9929972 Barbarino JM et al. PharmGKB summary: very important pharmacogene information for UGT1A1. Pharmacogenet Genomics. Pharmacogenet Genomics. 2014 Mar;24(3):177-83. PMID: 24492252 Gammal RS et al. Clinical Pharmacogenetics Implementation Consortium (CPIC) Guideline for UGT1A1 and Atazanavir Prescribing. Clin Pharmacol Ther. 2016 Apr;99(4):363-9. PMID: 26417955 Han FF et al. Associations between UGT1A1*6 or UGT1A1*6/*28 polymorphisms and irinotecan-induced neutropenia in Asian cancer patientsCancer Chemother Pharmacol. 2014 Apr;73(4):779-88. PMID: 24519753 Maruo Y et al. Prolonged unconjugated hyperbilirubinemia associated with breast milk and mutations of the bilirubin uridine diphosphate- glucuronosyltransferase gene. Pediatrics. 2000 Nov;106(5):E59. PMID: 11061796 Park WB et al. Genetic factors influencing severe atazanavir-associated hyperbilirubinemia in a population with low UDP-glucuronosyltransferase 1A1*28 allele frequency. Clin Infect Dis. 2010 Jul 1;51(1):101-6. PMID: 20504240 Sato H et al. Association of breast-fed neonatal hyperbilirubinemia with UGT1A1 polymorphisms: 211G>A (G71R) mutation becomes a risk factor under inadequate feeding. J Hum Genet. 2013 Jan;58(1):7-10. PMID: 23014115 Takeuchi K et al. Genetic polymorphisms of bilirubin uridine diphosphate-glucuronosyltransferase gene in Japanese patients with Crigler-Najjar syndrome or Gilbert's syndrome as well as in healthy Japanese subjects. J Gastroenterol Hepatol. 2004 Sep;19(9):1023-8. PMID: 15304120 Udomuksorn W et al. Influence of mutations associated with Gilbert and Crigler-Najjar type II syndromes on the glucuronidation kinetics of bilirubin and other UDP-glucuronosyltransferase 1A substrates. Pharmacogenet Genomics. 2007 Dec. PMID: 18004206

Mayo Clinic Laboratories, Mayo Clinic
Classification: Pathogenic. Last evaluated: 2025-04-28. Review status: criteria provided, single submitter. Criteria: ACMG Guidelines, 2015. Collection method: clinical testing. Allele origin: germline. Observed: 50 variant alleles.

Laboratory of Genetics, Children's Clinical University Hospital Latvia
Classification: Likely pathogenic. Last evaluated: 2025-02-16. Review status: criteria provided, single submitter. Criteria: ACMG Guidelines, 2015. Collection method: clinical testing. Allele origin: germline. Affected: yes.

Labcorp Genetics (formerly Invitae), Labcorp
Classification: Pathogenic. Last evaluated: 2025-01-24. Review status: criteria provided, single submitter. Criteria: Invitae Variant Classification Sherloc (09022015). Collection method: clinical testing. Allele origin: germline.
Comment: This sequence change replaces glycine, which is neutral and non-polar, with arginine, which is basic and polar, at codon 71 of the UGT1A1 protein (p.Gly71Arg). This variant is present in population databases (rs4148323, gnomAD 15%), and has an allele count higher than expected for a pathogenic variant. This variant has been observed in individual(s) with UGT1A1-related hyperbilirubinemia. Homozygous individuals for this variant present with Gilbert syndrome (PMID: 19397531, 20975617, 21272068, 21342357, 25200497, 11061796). In some cases this variant has been reported to occur on the same chromosome (in cis) with p.Tyr486Asp, forming a haplotype. Homozygous individuals for this haplotype present with Crigler-Najjar syndrome type II (PMID: 9630669, 21319362, 15304120). This variant is also known as UGT1A1*6. ClinVar contains an entry for this variant (Variation ID: 12280). Invitae Evidence Modeling of protein sequence and biophysical properties (such as structural, functional, and spatial information, amino acid conservation, physicochemical variation, residue mobility, and thermodynamic stability) indicates that this missense variant is not expected to disrupt UGT1A1 protein function with a negative predictive value of 80%. Experimental studies have shown that this missense change affects UGT1A1 function (PMID: 9630669, 19830808). For these reasons, this variant has been classified as Pathogenic.

UGT1A1*6

Genes: UGT1A (UDP glucuronosyltransferase family 1 member A complex locus; plus strand), UGT1A1 (UDP glucuronosyltransferase family 1 member A1; plus strand), UGT1A10 (UDP glucuronosyltransferase family 1 member A10; plus strand), UGT1A3 (UDP glucuronosyltransferase family 1 member A3; plus strand), UGT1A4 (UDP glucuronosyltransferase family 1 member A4; plus strand) and 5 more. Cytogenetic location: 2q37.1.
Variant type: single nucleotide variant.
Molecular consequence: missense variant (on NM_000463.3). On other transcripts: intron variant (9).
Genome position: GRCh38 VCF-style: chr2-233760498-G-A. GRCh37 (hg19) VCF-style: chr2-234669144-G-A.
Other names: NM_000463.2(UGT1A1):c.211G>A (p.Gly71Arg); 211G>A; c.211G>A, p.Gly71Arg (NM_000463.3); c.856-6536G>A (NM_019076.5, NM_019075.4, NM_021027.3 and 1 more transcripts); c.61-6536G>A (NM_205862.3); c.862-6536G>A (NM_001072.4, NM_001072.3); c.868-6536G>A (NM_019078.2, NM_007120.3, NM_019093.4); short protein forms G71R.
Identifiers: ClinVar variation 12280 (VCV000012280.84), dbSNP rs4148323, ClinGen allele CA122078.
Genomic context (GRCh38, chr2:233,760,498, plus strand): 5'-CAGCAGAGGGGACATGAAATAGTTGTCCTAGCACCTGACGCCTCGTTGTACATCAGAGAC[G>A]GAGCATTTTACACCTTGAAGACGTACCCTGTGCCATTCCAAAGGGAGGATGTGAAAGAGT-3'